The following is an entry in ClinVar:

ClinVar aggregate classification (germline): Pathogenic (1 of 4 stars; one submission).

Conditions:
Dilated Cardiomyopathy, Dominant.
Myofibrillar myopathy 5. Also called: FILAMINOPATHY, AUTOSOMAL DOMINANT; Filaminopathy (type). Identifiers: Orphanet 171445, MedGen C1836050, MONDO:0012289, OMIM 609524.
Distal myopathy with posterior leg and anterior hand involvement. Also called: WILLIAMS DISTAL MYOPATHY. Identifiers: Orphanet 63273, MedGen C3279722, MONDO:0013550, OMIM 614065.
Hypertrophic cardiomyopathy 26. Also called: Cardiomyopathy, familial hypertrophic, 26. Identifiers: Orphanet 75249, MedGen C4310749, MONDO:0014883, OMIM 617047.

Submission:

Labcorp Genetics (formerly Invitae), Labcorp
Classification: Pathogenic for Distal myopathy with posterior leg and anterior hand involvement; Myofibrillar myopathy 5; Hypertrophic cardiomyopathy 26. Last evaluated: 2020-07-27. Review status: criteria provided, single submitter. Criteria: Invitae Variant Classification Sherloc (09022015). Collection method: clinical testing. Allele origin: germline.
Comment: A gross deletion of the genomic region encompassing the full coding sequence of the FLNC gene has been identified. The boundaries of this event are unknown as the deletion extends beyond the assayed region for this gene and therefore may encompass additional genes. This variant has not been reported in the literature in individuals with FLNC-related conditions. Loss-of-function variants in FLNC are known to be pathogenic (PMID: 27908349). For these reasons, this variant has been classified as Pathogenic.

Literature cited by the submitters: PubMed 27908349.

NC_000007.13:g.(?_128469483)_(128500328_?)del

Gene: FLNC (filamin C; plus strand). Cytogenetic location: 7q32.1.
Variant type: Deletion.
Identifiers: ClinVar variation 1071864 (VCV001071864.2).